The following is an entry in ClinVar:

NM_000440.3(PDE6A):c.298C>T (p.Arg100Trp)

Gene: PDE6A (phosphodiesterase 6A; minus strand). Cytogenetic location: 5q32.
Variant type: single nucleotide variant.
Coding change: c.298C>T on transcript NM_000440.3 (MANE Select); coding-DNA position 298, C replaced by T.
Protein change: p.Arg100Trp; replaces arginine 100 with tryptophan.
Molecular consequence: missense variant.
Genome position (GRCh38, 1-based): chr5:149,944,376, G>A on the plus strand (C>T on the coding strand, the complement: PDE6A is on the minus strand). VCF-style: chr5-149944376-G-A. GRCh37 (hg19) VCF-style: chr5-149323939-G-A.
Other names: short protein forms R100W.
Identifiers: ClinVar variation 905412 (VCV000905412.13), dbSNP rs200540105, ClinGen allele CA3505086.

ClinVar aggregate classification (germline): Conflicting classifications of pathogenicity. Review status: criteria provided, conflicting classifications (1 of 4 stars). 3 submissions from 3 submitters: Uncertain significance (1); Likely benign (2). Last evaluated 2025-06-10.

Conditions:
Retinitis pigmentosa (RP). Identifiers: Orphanet 791, MedGen C0035334, MeSH D012174, MONDO:0019200, OMIM 268000. Inheritance: Autosomal dominant, autosomal recessive and X linked inheritance.

Allele frequency attached by ClinVar (database versions not stated): TOPMed 0.00013; gnomAD exomes 0.00015 and 0.00027; 1000 Genomes Project 30x 0.00016; 1000 Genomes Project 0.00020; ExAC 0.00020; ESP Exome Variant Server 0.00023; gnomAD 0.00031 and 0.00033.
gnomAD v4.1: 265 of 1,614,072 alleles (0.016%); highest among the groups gnomAD compares: Non-Finnish European, 0.011%; 1 homozygote.

Submissions (3):

Labcorp Genetics (formerly Invitae), Labcorp
Classification: Likely benign. Last evaluated: 2025-06-10. Review status: criteria provided, single submitter. Criteria: Invitae Variant Classification Sherloc (09022015). Collection method: clinical testing. Allele origin: germline.

Blueprint Genetics
Classification: Likely benign. Last evaluated: 2023-10-06. Review status: criteria provided, single submitter. Criteria: ACMG Guidelines, 2015. Collection method: clinical testing. Allele origin: germline.

Illumina Laboratory Services, Illumina
Classification: Uncertain significance for Retinitis pigmentosa. Last evaluated: 2017-08-30. Review status: criteria provided, single submitter. Criteria: ICSL Variant Classification Criteria 13 December 2019. Collection method: clinical testing. Allele origin: germline.
Comment: This variant was observed as part of a predisposition screen in an ostensibly healthy population. A literature search was performed for the gene, cDNA change, and amino acid change (where applicable). Publications were found based on this search. However, the evidence from the literature, in combination with allele frequency data from public databases where available, was not sufficient to rule this variant in or out of causing disease. Therefore, this variant is classified as a variant of unknown significance.

Literature cited by the submitters: PubMed 24265693 (cited by Illumina Laboratory Services, Illumina).